The following is an entry in ClinVar:

ClinVar aggregate classification (germline): Uncertain significance (1 of 4 stars; one submission).

Conditions:
Congenital hereditary endothelial dystrophy of cornea. Also called: CORNEAL DYSTROPHY, CONGENITAL HEREDITARY ENDOTHELIAL; Congenital hereditary endothelial dystrophy of the cornea; Maumenee corneal dystrophy; Congenital hereditary endothelial dystrophy type II; Corneal endothelial dystrophy, autosomal recessive. Identifiers: Orphanet 293603, MedGen C1857569, MONDO:0009019, OMIM 217700.

Submission:

3billion
Classification: Uncertain significance for Congenital hereditary endothelial dystrophy of cornea. Last evaluated: 2026-01-19. Review status: criteria provided, single submitter. Criteria: ACMG Guidelines, 2015. Collection method: clinical testing. Allele origin: germline. Affected: yes.
Comment: The variant is not observed in the gnomAD v4.1.0 dataset. Predicted Consequence/Location: Missense variant In silico tool predictions suggest damaging effect of the variant on gene or gene product [REVEL: 0.72 (>=0.6, sensitivity 0.68 and specificity 0.92); 3Cnet: 0.16 (> 0.75, sensitivity 0.96 and precision 0.92)]. Therefore, this variant is classified as VUS according to the recommendation of ACMG/AMP guideline.

NM_001174089.2(SLC4A11):c.602T>A (p.Ile201Asn)

Gene: SLC4A11 (solute carrier family 4 member 11; minus strand). Cytogenetic location: 20p13.
Variant type: single nucleotide variant.
Coding change: c.602T>A on transcript NM_001174089.2 (MANE Select); coding-DNA position 602, T replaced by A.
Protein change: p.Ile201Asn; replaces isoleucine 201 with asparagine.
Molecular consequence: missense variant. On other transcripts: non-coding transcript variant (3).
Genome position (GRCh38, 1-based): chr20:3,233,924, A>T on the plus strand (T>A on the coding strand, the complement: SLC4A11 is on the minus strand). VCF-style: chr20-3233924-A-T. GRCh37 (hg19) VCF-style: chr20-3214570-A-T.
Other names: c.731T>A, p.Ile244Asn (NM_001174090.2, NM_001400280.1); c.602T>A, p.Ile201Asn (NM_001363745.2); c.545T>A, p.Ile182Asn (NM_001400277.1, NM_001400278.1, NM_001400279.1); c.650T>A, p.Ile217Asn (NM_032034.4); short protein forms I182N, I201N, I217N, I244N.
Identifiers: ClinVar variation 4854322 (VCV004854322.1).